The following is an entry in ClinVar:

NM_001008537.3(NEXMIF):c.1476T>A (p.Tyr492Ter)

Gene: NEXMIF (neurite extension and migration factor; minus strand). Cytogenetic location: Xq13.3.
Variant type: single nucleotide variant.
Coding change: c.1476T>A on transcript NM_001008537.3 (MANE Select); coding-DNA position 1476, T replaced by A.
Protein change: p.Tyr492Ter; replaces tyrosine 492 with a stop codon.
Molecular consequence: nonsense.
Genome position (GRCh38, 1-based): chrX:74,743,081, A>T on the plus strand (T>A on the coding strand, the complement: NEXMIF is on the minus strand). VCF-style: chrX-74743081-A-T. GRCh37 (hg19) VCF-style: chrX-73962916-A-T.
Other names: short protein forms Y492*.
Identifiers: ClinVar variation 1456860 (VCV001456860.6), dbSNP rs2147440933, ClinGen allele CA413670418.

ClinVar aggregate classification (germline): Pathogenic (1 of 4 stars; one submission).

Submission:

Labcorp Genetics (formerly Invitae), Labcorp
Classification: Pathogenic. Last evaluated: 2021-10-27. Review status: criteria provided, single submitter. Criteria: Invitae Variant Classification Sherloc (09022015). Collection method: clinical testing. Allele origin: germline.
Comment: This variant has not been reported in the literature in individuals affected with NEXMIF-related conditions. For these reasons, this variant has been classified as Pathogenic. This variant is not present in population databases (gnomAD no frequency). This sequence change creates a premature translational stop signal (p.Tyr492*) in the NEXMIF gene. It is expected to result in an absent or disrupted protein product. Loss-of-function variants in NEXMIF are known to be pathogenic (PMID: 23615299).

Literature cited by the submitters: PubMed 23615299.